The following is an entry in ClinVar:

ClinVar aggregate classification (germline): Uncertain significance. Review status: criteria provided, multiple submitters, no conflicts (2 of 4 stars). 2 submissions from 2 submitters: Uncertain significance (2). Last evaluated 2026-04-01.

Conditions:
Cardiovascular phenotype. Identifiers: MedGen CN230736.
Catecholaminergic polymorphic ventricular tachycardia 1. Also called: VENTRICULAR TACHYCARDIA, STRESS-INDUCED POLYMORPHIC 1; VENTRICULAR TACHYCARDIA, CATECHOLAMINERGIC POLYMORPHIC, 1, WITH OR WITHOUT ATRIAL DYSFUNCTION AND/OR DILATED CARDIOMYOPATHY; RYR2-Related Catecholaminergic Polymorphic Ventricular Tachycardia. Identifiers: Orphanet 3286, MedGen C1631597, MONDO:0011484, OMIM 604772.

Submissions (2):

Ambry Genetics
Classification: Uncertain significance for Cardiovascular phenotype. Last evaluated: 2026-04-01. Review status: criteria provided, single submitter. Criteria: Ambry Variant Classification Scheme 2023. Collection method: clinical testing. Allele origin: germline.
Comment: The p.R3604Q variant (also known as c.10811G>A), located in coding exon 76 of the RYR2 gene, results from a G to A substitution at nucleotide position 10811. The arginine at codon 3604 is replaced by glutamine, an amino acid with highly similar properties. This amino acid position is highly conserved in available vertebrate species. In addition, this alteration is predicted to be deleterious by in silico analysis. Based on the available evidence, the clinical significance of this variant remains unclear.

Labcorp Genetics (formerly Invitae), Labcorp
Classification: Uncertain significance for Catecholaminergic polymorphic ventricular tachycardia 1. Last evaluated: 2017-12-19. Review status: criteria provided, single submitter. Criteria: Invitae Variant Classification Sherloc (09022015). Collection method: clinical testing. Allele origin: germline.
Comment: In summary, the available evidence is currently insufficient to determine the role of this variant in disease. Therefore, it has been classified as a Variant of Uncertain Significance. Algorithms developed to predict the effect of sequence changes on RNA splicing suggest that this variant may create or strengthen a splice site, but this prediction has not been confirmed by published transcriptional studies. Algorithms developed to predict the effect of missense changes on protein structure and function (SIFT, PolyPhen-2, Align-GVGD) all suggest that this variant is likely to be disruptive, but these predictions have not been confirmed by published functional studies and their clinical significance is uncertain. This variant has not been reported in the literature in individuals with RYR2-related disease. This variant is not present in population databases (ExAC no frequency). This sequence change replaces arginine with glutamine at codon 3604 of the RYR2 protein (p.Arg3604Gln). The arginine residue is highly conserved and there is a small physicochemical difference between arginine and glutamine.

NM_001035.3(RYR2):c.10811G>A (p.Arg3604Gln)

Gene: RYR2 (ryanodine receptor 2; plus strand). Cytogenetic location: 1q43.
Variant type: single nucleotide variant.
Coding change: c.10811G>A on transcript NM_001035.3 (MANE Select); coding-DNA position 10811, G replaced by A.
Protein change: p.Arg3604Gln; replaces arginine 3604 with glutamine.
Molecular consequence: missense variant.
Genome position (GRCh38, 1-based): chr1:237,727,172, G>A. VCF-style: chr1-237727172-G-A. GRCh37 (hg19) VCF-style: chr1-237890472-G-A.
Other names: c.10811G>A, p.Arg3604Gln (LRG_402t1); short protein forms R3604Q.
Identifiers: ClinVar variation 532316 (VCV000532316.11), dbSNP rs56228594, ClinGen allele CA345416974.